The following is an entry in ClinVar:

NM_001161352.2(KCNMA1):c.2336C>T (p.Pro779Leu)

Genes: KCNMA1-AS1 (KCNMA1 antisense RNA 1; plus strand), KCNMA1 (potassium calcium-activated channel subfamily M alpha 1; minus strand). Cytogenetic location: 10q22.3.
Variant type: single nucleotide variant.
Coding change: c.2336C>T on transcript NM_001161352.2 (MANE Select); coding-DNA position 2336, C replaced by T.
Protein change: p.Pro779Leu; replaces proline 779 with leucine.
Molecular consequence: missense variant.
Genome position (GRCh38, 1-based): chr10:76,969,998, G>A on the plus strand (C>T on the coding strand, the complement: KCNMA1 is on the minus strand). VCF-style: chr10-76969998-G-A. GRCh37 (hg19) VCF-style: chr10-78729756-G-A.
Other names: c.2174C>T, p.Pro725Leu (NM_001014797.3, NM_001322835.2, NM_001322837.2); c.2162C>T, p.Pro721Leu (NM_001161353.2, NM_001322832.2, NM_001410940.1 and 1 more transcripts); c.2012C>T, p.Pro671Leu (NM_001271518.2); c.2171C>T, p.Pro724Leu (NM_001271519.2, NM_001322829.2, NM_001322836.2); c.2183C>T, p.Pro728Leu (NM_001322830.2); c.1709C>T, p.Pro570Leu (NM_001322838.2); short protein forms P721L, P725L, P671L, P724L, P728L, P570L, P779L.
Identifiers: ClinVar variation 3665687 (VCV003665687.2).

ClinVar aggregate classification (germline): Uncertain significance (1 of 4 stars; one submission).

Conditions:
Generalized epilepsy-paroxysmal dyskinesia syndrome (PNKD3). Also called: Generalized epilepsy and paroxysmal dyskinesia; Paroxysmal nonkinesigenic dyskinesia, 3, with or without generalized epilepsy. Identifiers: Orphanet 79137, MedGen C5574945, MONDO:0012276, OMIM 609446.

gnomAD v4.1: 3 of 1,613,884 alleles (0.00019%); highest among the groups gnomAD compares: Non-Finnish European, 0.00025%; no homozygotes.

Submission:

Labcorp Genetics (formerly Invitae), Labcorp
Classification: Uncertain significance for Generalized epilepsy-paroxysmal dyskinesia syndrome. Last evaluated: 2024-02-07. Review status: criteria provided, single submitter. Criteria: Invitae Variant Classification Sherloc (09022015). Collection method: clinical testing. Allele origin: germline.
Comment: This sequence change replaces proline, which is neutral and non-polar, with leucine, which is neutral and non-polar, at codon 721 of the KCNMA1 protein (p.Pro721Leu). This variant is present in population databases (no rsID available, gnomAD 0.002%). This variant has not been reported in the literature in individuals affected with KCNMA1-related conditions. Advanced modeling of protein sequence and biophysical properties (such as structural, functional, and spatial information, amino acid conservation, physicochemical variation, residue mobility, and thermodynamic stability) performed at Invitae indicates that this missense variant is not expected to disrupt KCNMA1 protein function with a negative predictive value of 80%. In summary, the available evidence is currently insufficient to determine the role of this variant in disease. Therefore, it has been classified as a Variant of Uncertain Significance.